The following is an entry in ClinVar:

ClinVar aggregate classification (germline): Uncertain significance. Review status: criteria provided, multiple submitters, no conflicts (2 of 4 stars). 2 submissions from 2 submitters: Uncertain significance (2). Last evaluated 2025-12-11.

Conditions:
Inborn genetic diseases. Identifiers: MedGen C0950123, MeSH D030342.

Allele frequency attached by ClinVar (database versions not stated): gnomAD exomes 0.00002.
gnomAD v4.1: 24 of 1,614,196 alleles (0.0015%); highest among the groups gnomAD compares: South Asian, 0.0022%; no homozygotes.

Submissions (2):

Ambry Genetics
Classification: Uncertain significance for Inborn genetic diseases. Last evaluated: 2025-12-11. Review status: criteria provided, single submitter. Criteria: Ambry Variant Classification Scheme 2023. Collection method: clinical testing. Allele origin: germline.

CeGaT Center for Human Genetics Tuebingen
Classification: Uncertain significance. Last evaluated: 2023-04-01. Review status: criteria provided, single submitter. Criteria: CeGaT Center For Human Genetics Tuebingen Variant Classification Criteria Version 2. Collection method: clinical testing. Allele origin: germline. Affected: yes. Observed: 1 variant allele.
Comment: SPEN: PM2, BP4

NM_015001.3(SPEN):c.5407G>A (p.Glu1803Lys)

Gene: SPEN (spen family transcriptional repressor; plus strand). Cytogenetic location: 1p36.13.
Variant type: single nucleotide variant.
Coding change: c.5407G>A on transcript NM_015001.3 (MANE Select); coding-DNA position 5407, G replaced by A.
Protein change: p.Glu1803Lys; replaces glutamic acid 1803 with lysine.
Molecular consequence: missense variant.
Genome position (GRCh38, 1-based): chr1:15,931,647, G>A. VCF-style: chr1-15931647-G-A. GRCh37 (hg19) VCF-style: chr1-16258142-G-A.
Other names: c.5407G>A (NM_015001.2); short protein forms E1803K.
Identifiers: ClinVar variation 2638322 (VCV002638322.24), dbSNP rs2071222032, ClinGen allele CA338626873.